The following is an entry in ClinVar:

NM_001110556.2(FLNA):c.4246C>G (p.Pro1416Ala)

Gene: FLNA (filamin A; minus strand). Cytogenetic location: Xq28.
Variant type: single nucleotide variant.
Coding change: c.4246C>G on transcript NM_001110556.2 (MANE Select); coding-DNA position 4246, C replaced by G.
Protein change: p.Pro1416Ala; replaces proline 1416 with alanine.
Molecular consequence: missense variant.
Genome position (GRCh38, 1-based): chrX:154,359,303, G>C on the plus strand (C>G on the coding strand, the complement: FLNA is on the minus strand). VCF-style: chrX-154359303-G-C. GRCh37 (hg19) VCF-style: chrX-153587671-G-C.
Other names: c.4246C>G, p.Pro1416Ala (NM_001456.4); short protein forms P1416A.
Identifiers: ClinVar variation 3753985 (VCV003753985.2).

ClinVar aggregate classification (germline): Uncertain significance (1 of 4 stars; one submission).

Conditions:
Melnick-Needles syndrome (MNS). Also called: MELNICK-NEEDLES OSTEODYSPLASTY; OSTEODYSPLASTY OF MELNICK AND NEEDLES; Melnick-Needles Syndrome (FLNA-MNS). Identifiers: Orphanet 2484, MedGen C0025237, MONDO:0010650, OMIM 309350.
Frontometaphyseal dysplasia (FMD1). Identifiers: Orphanet 1826, MedGen C0265293, MONDO:0015942.
Heterotopia, periventricular, X-linked dominant (PVNH1). Also called: PERIVENTRICULAR NODULAR HETEROTOPIA 1; X-linked periventricular heterotopia; PERIVENTRICULAR NODULAR HETEROTOPIA 4; HETEROTOPIA, PERIVENTRICULAR, 1. Identifiers: Orphanet 2149, Orphanet 82004, MedGen C1848213, MONDO:0010233, OMIM 300049.
Oto-palato-digital syndrome, type II (OPD2). Also called: FACIOPALATOOSSEOUS SYNDROME; OPD II SYNDROME; Otopalatodigital Syndrome, Type II; Otopalatodigital Syndrome Type 2 (FLNA-OPD2). Identifiers: Orphanet 669, Orphanet 90652, MedGen C1844696, MONDO:0010571, OMIM 304120.

Submission:

Labcorp Genetics (formerly Invitae), Labcorp
Classification: Uncertain significance for Oto-palato-digital syndrome, type II; Heterotopia, periventricular, X-linked dominant; Frontometaphyseal dysplasia; Melnick-Needles syndrome. Last evaluated: 2025-01-20. Review status: criteria provided, single submitter. Criteria: Invitae Variant Classification Sherloc (09022015). Collection method: clinical testing. Allele origin: germline.
Comment: This sequence change replaces proline, which is neutral and non-polar, with alanine, which is neutral and non-polar, at codon 1416 of the FLNA protein (p.Pro1416Ala). This variant is not present in population databases (gnomAD no frequency). This variant has not been reported in the literature in individuals affected with FLNA-related conditions. Invitae Evidence Modeling of protein sequence and biophysical properties (such as structural, functional, and spatial information, amino acid conservation, physicochemical variation, residue mobility, and thermodynamic stability) has been performed for this missense variant. However, the output from this modeling did not meet the statistical confidence thresholds required to predict the impact of this variant on FLNA protein function. In summary, the available evidence is currently insufficient to determine the role of this variant in disease. Therefore, it has been classified as a Variant of Uncertain Significance.